The following is an entry in ClinVar:

ClinVar aggregate classification (germline): Conflicting classifications of pathogenicity. Review status: criteria provided, conflicting classifications (1 of 4 stars). 4 submissions from 4 submitters: Uncertain significance (3); Likely benign (1). Last evaluated 2023-03-23.

Conditions:
Hereditary cancer-predisposing syndrome. Also called: Hereditary Cancer Syndrome; Hereditary neoplastic syndrome; Neoplastic Syndromes, Hereditary; Tumor predisposition. Identifiers: Orphanet 140162, MedGen C0027672, MeSH D009386, MONDO:0015356.
Hereditary breast ovarian cancer syndrome. Also called: BRCA1- and BRCA2-Associated Hereditary Breast and Ovarian Cancer; Hereditary breast and ovarian cancer syndrome (HBOC); Hereditary breast and ovarian cancer; Hereditary breast and ovarian cancer syndrome; Breast and ovarian cancer; Hereditary breast and/or ovarian cancer syndrome. Identifiers: Orphanet 145, MedGen C0677776, MeSH D061325, MONDO:0003582. Disease mechanism: loss of function.

Submissions (4):

University of Washington Department of Laboratory Medicine, University of Washington
Classification: Likely benign for Hereditary cancer-predisposing syndrome. Last evaluated: 2023-03-23. Review status: criteria provided, single submitter. Criteria: Dines et al. (Genet Med. 2020). Collection method: curation. Allele origin: germline.
Comment: Missense variant in a coldspot region where missense variants are very unlikely to be pathogenic (PMID:31911673).

BRCA1 coldspot (exon 11 using historical exon numbering). Reclassification based on statistical prior probability

Quest Diagnostics Nichols Institute San Juan Capistrano
Classification: Uncertain significance. Last evaluated: 2020-08-26. Review status: criteria provided, single submitter. Criteria: Quest Diagnostics criteria. Collection method: clinical testing. Allele origin: unknown.

Labcorp Genetics (formerly Invitae), Labcorp
Classification: Uncertain significance for Hereditary breast ovarian cancer syndrome. Last evaluated: 2020-01-11. Review status: criteria provided, single submitter. Criteria: Invitae Variant Classification Sherloc (09022015). Collection method: clinical testing. Allele origin: germline.
Comment: In summary, the available evidence is currently insufficient to determine the role of this variant in disease. Therefore, it has been classified as a Variant of Uncertain Significance. Algorithms developed to predict the effect of missense changes on protein structure and function are either unavailable or do not agree on the potential impact of this missense change (SIFT: "Tolerated"; PolyPhen-2: "Probably Damaging"; Align-GVGD: "Class C0"). This variant has not been reported in the literature in individuals with BRCA1-related conditions. ClinVar contains an entry for this variant (Variation ID: 409328). This variant is not present in population databases (ExAC no frequency). This sequence change replaces leucine with proline at codon 574 of the BRCA1 protein (p.Leu574Pro). The leucine residue is moderately conserved and there is a moderate physicochemical difference between leucine and proline.

Ambry Genetics
Classification: Uncertain significance for Hereditary cancer-predisposing syndrome. Last evaluated: 2019-07-12. Review status: criteria provided, single submitter. Criteria: Ambry Variant Classification Scheme 2023. Collection method: clinical testing. Allele origin: germline.
Comment: The p.L574P variant (also known as c.1721T>C), located in coding exon 9 of the BRCA1 gene, results from a T to C substitution at nucleotide position 1721. The leucine at codon 574 is replaced by proline, an amino acid with similar properties. This amino acid position is not well conserved in available vertebrate species. In addition, this alteration is predicted to be deleterious by in silico analysis. Since supporting evidence is limited at this time, the clinical significance of this alteration remains unclear.

NM_007294.4(BRCA1):c.1721T>C (p.Leu574Pro)

Gene: BRCA1 (BRCA1 DNA repair associated; minus strand). Cytogenetic location: 17q21.31.
Variant type: single nucleotide variant.
Coding change: c.1721T>C on transcript NM_007294.4 (MANE Select); coding-DNA position 1721, T replaced by C.
Protein change: p.Leu574Pro; replaces leucine 574 with proline.
Molecular consequence: missense variant. On other transcripts: intron variant (137).
Genome position (GRCh38, 1-based): chr17:43,093,810, A>G on the plus strand (T>C on the coding strand, the complement: BRCA1 is on the minus strand). VCF-style: chr17-43093810-A-G. GRCh37 (hg19) VCF-style: chr17-41245827-A-G.
Other names: c.1508T>C, p.Leu503Pro (NM_001407571.1, NM_001407853.1, NM_001407894.1 and 9 more transcripts); c.1721T>C, p.Leu574Pro (NM_001407581.1, NM_001407582.1, NM_001407583.1 and 30 more transcripts); c.1718T>C, p.Leu573Pro (NM_001407587.1, NM_001407590.1, NM_001407591.1 and 22 more transcripts); c.1712T>C, p.Leu571Pro (NM_001407646.1, NM_001407647.1); c.1598T>C, p.Leu533Pro (NM_001407648.1, NM_001407664.1, NM_001407665.1 and 19 more transcripts); c.1595T>C, p.Leu532Pro (NM_001407649.1, NM_001407670.1, NM_001407671.1 and 11 more transcripts); c.1643T>C, p.Leu548Pro (NM_001407653.1, NM_001407654.1, NM_001407655.1 and 4 more transcripts); c.1640T>C, p.Leu547Pro (NM_001407659.1, NM_001407660.1, NM_001407661.1 and 1 more transcripts); and 40 more; short protein forms L574P, L527P, L447P, L485P, L503P, L506P, L504P, L507P.
Identifiers: ClinVar variation 409328 (VCV000409328.18), dbSNP rs1060502341, ClinGen allele CA10598587.